The following is an entry in ClinVar:

ClinVar aggregate classification (germline): Uncertain significance (1 of 4 stars; one submission).

Allele frequency attached by ClinVar (database versions not stated): TOPMed 0.00001; ExAC 0.00003.

Submission:

Labcorp Genetics (formerly Invitae), Labcorp
Classification: Uncertain significance. Last evaluated: 2021-08-24. Review status: criteria provided, single submitter. Criteria: Invitae Variant Classification Sherloc (09022015). Collection method: clinical testing. Allele origin: germline.
Comment: This sequence change replaces glycine with alanine at codon 28 of the DLL3 protein (p.Gly28Ala). The glycine residue is highly conserved and there is a small physicochemical difference between glycine and alanine. This variant is present in population databases (rs747594090, ExAC 0.07%). This variant has not been reported in the literature in individuals affected with DLL3-related conditions. Algorithms developed to predict the effect of missense changes on protein structure and function are either unavailable or do not agree on the potential impact of this missense change (SIFT: "Deleterious"; PolyPhen-2: "Probably Damaging"; Align-GVGD: "Class C0"). In summary, the available evidence is currently insufficient to determine the role of this variant in disease. Therefore, it has been classified as a Variant of Uncertain Significance.

NM_203486.3(DLL3):c.83G>C (p.Gly28Ala)

Gene: DLL3 (delta like canonical Notch ligand 3; plus strand). Cytogenetic location: 19q13.2.
Variant type: single nucleotide variant.
Coding change: c.83G>C on transcript NM_203486.3 (MANE Select); coding-DNA position 83, G replaced by C.
Protein change: p.Gly28Ala; replaces glycine 28 with alanine.
Molecular consequence: missense variant.
Genome position (GRCh38, 1-based): chr19:39,499,205, G>C. VCF-style: chr19-39499205-G-C. GRCh37 (hg19) VCF-style: chr19-39989845-G-C.
Other names: c.83G>C, p.Gly28Ala (NM_016941.4); short protein forms G28A.
Identifiers: ClinVar variation 1009435 (VCV001009435.6), dbSNP rs747594090, ClinGen allele CA9432110.